The following is an entry in ClinVar:

NM_002617.4(PEX10):c.928T>C (p.Cys310Arg)

Gene: PEX10 (peroxisomal biogenesis factor 10; minus strand). Cytogenetic location: 1p36.32.
Variant type: single nucleotide variant.
Coding change: c.928T>C on transcript NM_002617.4 (MANE Select); coding-DNA position 928, T replaced by C.
Protein change: p.Cys310Arg; replaces cysteine 310 with arginine.
Molecular consequence: missense variant. On other transcripts: non-coding transcript variant (1).
Genome position (GRCh38, 1-based): chr1:2,405,819, A>G on the plus strand (T>C on the coding strand, the complement: PEX10 is on the minus strand). VCF-style: chr1-2405819-A-G. GRCh37 (hg19) VCF-style: chr1-2337258-A-G.
Other names: c.985T>C, p.Cys329Arg (NM_001374425.1); c.553T>C, p.Cys185Arg (NM_001374426.1); c.496T>C, p.Cys166Arg (NM_001374427.1); c.988T>C, p.Cys330Arg (NM_153818.2); short protein forms C310R, C330R, C166R, C329R, C185R.
Identifiers: ClinVar variation 1926541 (VCV001926541.4), dbSNP rs753384584, ClinGen allele CA537952.
Genomic context (GRCh38, chr1:2,405,819, plus strand): 5'-CGCCGGCTCAGCGGTAGTGCCGAAGGTAGATGAGCTTCTGGGGAGGGAACTTCTCCCGGC[A>G]GAGGGGACACTCCGCCTGCGGAGAGGAGAAAGGGGGTCACAGCAGCTGGGGCCACTGGGC-3'
Protein context (NP_002608.1, residues 300-320): WCSSKAECPL[Cys310Arg]REKFPPQKLI

ClinVar aggregate classification (germline): Conflicting classifications of pathogenicity. Review status: criteria provided, conflicting classifications (1 of 4 stars). 2 submissions from 2 submitters: Likely pathogenic (1); Uncertain significance (1). Last evaluated 2022-08-09.

Conditions:
Peroxisome biogenesis disorder, complementation group 7 (CG7). Also called: Peroxisome biogenesis disorder, complementation group B. Identifiers: MedGen C1864399.
Peroxisome biogenesis disorder 6A (Zellweger). Also called: Peroxisome biogenesis disorder 6A. Identifiers: Orphanet 912, MedGen C3553947, MONDO:0013936, OMIM 614870.
Peroxisome biogenesis disorder 6B (PBD6B). Identifiers: Orphanet 44, MedGen C3553948, MONDO:0013937, OMIM 614871.

Allele frequency attached by ClinVar (database versions not stated): gnomAD 0.00001; TOPMed 0.00001; ExAC 0.00002.

Submissions (2):

Labcorp Genetics (formerly Invitae), Labcorp
Classification: Uncertain significance for Peroxisome biogenesis disorder, complementation group 7. Last evaluated: 2022-08-09. Review status: criteria provided, single submitter. Criteria: Invitae Variant Classification Sherloc (09022015). Collection method: clinical testing. Allele origin: germline.
Comment: This sequence change replaces cysteine, which is neutral and slightly polar, with arginine, which is basic and polar, at codon 330 of the PEX10 protein (p.Cys330Arg). This variant is not present in population databases (gnomAD no frequency). This variant has not been reported in the literature in individuals affected with PEX10-related conditions. Algorithms developed to predict the effect of missense changes on protein structure and function (SIFT, PolyPhen-2, Align-GVGD) all suggest that this variant is likely to be disruptive. In summary, the available evidence is currently insufficient to determine the role of this variant in disease. Therefore, it has been classified as a Variant of Uncertain Significance.

Juno Genomics, Hangzhou Juno Genomics, Inc
Classification: Likely pathogenic for Peroxisome biogenesis disorder 6A (Zellweger); Peroxisome biogenesis disorder 6B. Review status: criteria provided, single submitter. Criteria: ACMG Guidelines, 2015. Collection method: clinical testing. Allele origin: germline.
Comment: Absent from controls (or at extremely low frequency if recessive) in Genome Aggregation Database.;Multiple lines of computational evidence support a deleterious effect on the gene or gene product.;For recessive disorders, detected in trans with a pathogenic variant.;Patient's phenotype or family history is highly specific for a disease with a single genetic etiology.